The following is an entry in ClinVar:

ClinVar aggregate classification (germline): Conflicting classifications of pathogenicity. Review status: criteria provided, conflicting classifications (1 of 4 stars). 3 submissions from 3 submitters: Likely pathogenic (1); Uncertain significance (2). Last evaluated 2025-11-19.

Conditions:
Peroxisome biogenesis disorder. Identifiers: Orphanet 79189, MedGen C1832200, MONDO:0019234. Disease mechanism: loss of function.
PEX16-related disorder. Also called: PEX16-related condition.

Allele frequency attached by ClinVar (database versions not stated): ExAC 0.00001; gnomAD exomes 0.00001; TOPMed 0.00001.

Submissions (3):

GeneDx
Classification: Likely pathogenic. Last evaluated: 2025-11-19. Review status: criteria provided, single submitter. Criteria: GeneDx Variant Classification Process June 2021. Collection method: clinical testing. Allele origin: germline.
Comment: Identified in a patient with some clinical features of a PEX16-related disorder in published literature who also harbor a nonsense variant; however, the phase of these variants was not reported (PMID: 35106698); Not observed at significant frequency in large population cohorts (gnomAD); In silico analysis supports that this missense variant has a deleterious effect on protein structure/function; This variant is associated with the following publications: (PMID: 35106698)

PreventionGenetics, part of Exact Sciences
Classification: Uncertain significance for PEX16-related condition. Last evaluated: 2025-03-27. Review status: criteria provided, single submitter. Criteria: ACMG Guidelines, 2015. Collection method: clinical testing. Allele origin: germline.
Comment: The PEX16 c.865C>G variant is predicted to result in the amino acid substitution p.Pro289Ala. This variant was reported in an individual with atypical Zellweger syndrome (Cheung et al. 2022. PubMed ID: 35106698). This variant is reported in 0.0035% of alleles in individuals of European (Non-Finnish) descent in gnomAD. Although we suspect that this variant may be pathogenic, at this time, the clinical significance of this variant is uncertain due to the absence of conclusive functional and genetic evidence.

Labcorp Genetics (formerly Invitae), Labcorp
Classification: Uncertain significance for Peroxisome biogenesis disorder. Last evaluated: 2022-06-09. Review status: criteria provided, single submitter. Criteria: Invitae Variant Classification Sherloc (09022015). Collection method: clinical testing. Allele origin: germline.
Comment: Algorithms developed to predict the effect of missense changes on protein structure and function are either unavailable or do not agree on the potential impact of this missense change (SIFT: "Deleterious"; PolyPhen-2: "Probably Damaging"; Align-GVGD: "Class C0"). In summary, the available evidence is currently insufficient to determine the role of this variant in disease. Therefore, it has been classified as a Variant of Uncertain Significance. This variant has not been reported in the literature in individuals affected with PEX16-related conditions. This variant is present in population databases (rs780955218, gnomAD 0.003%). This sequence change replaces proline, which is neutral and non-polar, with alanine, which is neutral and non-polar, at codon 289 of the PEX16 protein (p.Pro289Ala).

NM_004813.4(PEX16):c.865C>G (p.Pro289Ala)

Gene: PEX16 (peroxisomal biogenesis factor 16; minus strand). Cytogenetic location: 11p11.2.
Variant type: single nucleotide variant.
Coding change: c.865C>G on transcript NM_004813.4 (MANE Select); coding-DNA position 865, C replaced by G.
Protein change: p.Pro289Ala; replaces proline 289 with alanine.
Molecular consequence: missense variant.
Genome position (GRCh38, 1-based): chr11:45,913,841, G>C on the plus strand (C>G on the coding strand, the complement: PEX16 is on the minus strand). VCF-style: chr11-45913841-G-C. GRCh37 (hg19) VCF-style: chr11-45935392-G-C.
Other names: c.865C>G, p.Pro289Ala (NM_057174.3); c.865C>G (NM_004813.2); short protein forms P289A.
Identifiers: ClinVar variation 2044014 (VCV002044014.7), dbSNP rs780955218, ClinGen allele CA5959795.